The following is an entry in ClinVar:

ClinVar aggregate classification (germline): Uncertain significance. Review status: criteria provided, multiple submitters, no conflicts (2 of 4 stars). 2 submissions from 2 submitters: Uncertain significance (2). Last evaluated 2025-10-20.

Conditions:
Malignant hyperthermia, susceptibility to, 1 (MHS1). Also called: RYR1-Related Malignant Hyperthermia Susceptibility; Anesthesia related hyperthermia; Malignant hyperpyrexia; Fulminating hyperpyrexia; Pharmacogenic myopathy; Malignant hyperthermia suceptibility 1. Identifiers: Orphanet 423, MedGen C2930980, MONDO:0007783, OMIM 145600.
RYR1-related disorder. Also called: RYR1-related disorders; RYR1-related condition. Identifiers: MedGen CN239331.

Submissions (2):

Color Diagnostics, LLC DBA Color Health
Classification: Uncertain significance for Malignant hyperthermia, susceptibility to, 1. Last evaluated: 2025-10-20. Review status: criteria provided, single submitter. Criteria: ACMG Guidelines, 2015. Collection method: clinical testing. Allele origin: germline.
Comment: This missense variant replaces tryptophan with cysteine at codon 701 of the RYR1 protein. Computational prediction is inconclusive regarding the impact of this variant on protein structure and function. To our knowledge, functional studies have not been reported for this variant. This variant has not been reported in individuals affected with RYR1-related disorders in the literature. This variant has not been identified in the general population by the Genome Aggregation Database (gnomAD). The available evidence is insufficient to determine the role of this variant in disease conclusively. Therefore, this variant is classified as a Variant of Uncertain Significance.

Labcorp Genetics (formerly Invitae), Labcorp
Classification: Uncertain significance for RYR1-related disorder. Last evaluated: 2018-10-22. Review status: criteria provided, single submitter. Criteria: Invitae Variant Classification Sherloc (09022015). Collection method: clinical testing. Allele origin: germline.
Comment: In summary, the available evidence is currently insufficient to determine the role of this variant in disease. Therefore, it has been classified as a Variant of Uncertain Significance. Algorithms developed to predict the effect of missense changes on protein structure and function are either unavailable or do not agree on the potential impact of this missense change (SIFT: "Deleterious"; PolyPhen-2: "Probably Damaging"; Align-GVGD: "Class C0"). This variant has not been reported in the literature in individuals with RYR1-related disease. This variant is not present in population databases (ExAC no frequency). This sequence change replaces tryptophan with cysteine at codon 701 of the RYR1 protein (p.Trp701Cys). The tryptophan residue is highly conserved and there is a large physicochemical difference between tryptophan and cysteine.

NM_000540.3(RYR1):c.2103G>C (p.Trp701Cys)

Gene: RYR1 (ryanodine receptor 1; plus strand). Cytogenetic location: 19q13.2.
Variant type: single nucleotide variant.
Coding change: c.2103G>C on transcript NM_000540.3 (MANE Select); coding-DNA position 2103, G replaced by C.
Protein change: p.Trp701Cys; replaces tryptophan 701 with cysteine.
Molecular consequence: missense variant.
Genome position (GRCh38, 1-based): chr19:38,458,228, G>C. VCF-style: chr19-38458228-G-C. GRCh37 (hg19) VCF-style: chr19-38948868-G-C.
Other names: c.2103G>C, p.Trp701Cys (NM_001042723.2); short protein forms W701C.
Identifiers: ClinVar variation 659208 (VCV000659208.8), dbSNP rs1600684994, ClinGen allele CA405697315.